The following is an entry in ClinVar:

ClinVar aggregate classification (germline): Uncertain significance (1 of 4 stars; one submission).

Conditions:
Gamma-aminobutyric acid transaminase deficiency (GABATD). Also called: GABA transaminase deficiency; Gamma aminobutyrate transaminase deficiency; 4 alpha aminobutyrate transaminase deficiency; GABA aminotransaminase deficiency. Identifiers: Orphanet 2066, MedGen C0342708, MONDO:0013166, OMIM 613163.

gnomAD v4.1: 4 of 1,612,874 alleles (0.00025%); highest among the groups gnomAD compares: Non-Finnish European, 0.00025%; no homozygotes.

Submission:

Labcorp Genetics (formerly Invitae), Labcorp
Classification: Uncertain significance for Gamma-aminobutyric acid transaminase deficiency. Last evaluated: 2021-02-07. Review status: criteria provided, single submitter. Criteria: Invitae Variant Classification Sherloc (09022015). Collection method: clinical testing. Allele origin: germline.
Comment: In summary, the available evidence is currently insufficient to determine the role of this variant in disease. Therefore, it has been classified as a Variant of Uncertain Significance. Nucleotide substitutions within the consensus splice site are a relatively common cause of aberrant splicing (PMID: 17576681, 9536098). Algorithms developed to predict the effect of sequence changes on RNA splicing suggest that this variant may disrupt the consensus splice site, but this prediction has not been confirmed by published transcriptional studies. This variant has not been reported in the literature in individuals with ABAT-related conditions. This variant is not present in population databases (ExAC no frequency). This sequence change affects codon 149 of the ABAT mRNA. It is a 'silent' change, meaning that it does not change the encoded amino acid sequence of the ABAT protein. This variant also falls at the last nucleotide of exon 7, which is part of the consensus splice site for this exon.

Literature cited by the submitters: PubMed 17576681; PubMed 9536098.

NM_020686.6(ABAT):c.447G>C (p.Ser149=)

Gene: ABAT (4-aminobutyrate aminotransferase; plus strand). Cytogenetic location: 16p13.2.
Variant type: single nucleotide variant.
Coding change: c.447G>C on transcript NM_020686.6 (MANE Select); coding-DNA position 447, G replaced by C.
Protein change: p.Ser149=; no amino-acid change (serine 149 retained).
Molecular consequence: synonymous variant.
Genome position (GRCh38, 1-based): chr16:8,764,149, G>C. VCF-style: chr16-8764149-G-C. GRCh37 (hg19) VCF-style: chr16-8858006-G-C.
Other names: c.447G>C, p.Ser149= (NM_001386603.1, NM_001386604.1, NM_001386605.1 and 10 more transcripts); c.312G>C, p.Ser104= (NM_001386610.1, NM_001386611.1, NM_001386612.1 and 1 more transcripts); c.201G>C, p.Ser67= (NM_001386614.1); c.543G>C, p.Ser181= (NM_001386615.1).
Identifiers: ClinVar variation 1518998 (VCV001518998.6), dbSNP rs376531387, ClinGen allele CA493490721.
Genomic context (GRCh38, chr16:8,764,149, plus strand): 5'-CGCCCTCGGAATCCTGCCTCCGGAGAACTTTGTGGAGAAGCTCCGGCAGTCCTTGCTCTC[G>C]GTGAGTTCTGGAGAAGCAATCCCATTGTCTTCAGACGTGGTACTGGCAGGGGAAGGGAAA-3'
Protein context (NP_065737.2, residues 139-159): FVEKLRQSLL[Ser149=]VAPKGMSQLI